The following is an entry in ClinVar:

ClinVar aggregate classification (germline): Conflicting classifications of pathogenicity. Review status: criteria provided, conflicting classifications (1 of 4 stars). 2 submissions from 2 submitters: Uncertain significance (1); Likely benign (1). Last evaluated 2025-12-03.

Conditions:
Neuroblastoma, susceptibility to, 3. Also called: ALK-Related Neuroblastic Tumor Susceptibility. Identifiers: Orphanet 635, MedGen C2751681, MONDO:0013083, OMIM 613014.
Hereditary cancer-predisposing syndrome. Also called: Hereditary Cancer Syndrome; Neoplastic Syndromes, Hereditary; Hereditary neoplastic syndrome; Tumor predisposition. Identifiers: Orphanet 140162, MedGen C0027672, MeSH D009386, MONDO:0015356.

gnomAD v4.1: 3 of 1,614,234 alleles (0.00019%); highest among the groups gnomAD compares: Non-Finnish European, 0.00025%; no homozygotes.

Submissions (2):

Ambry Genetics
Classification: Uncertain significance for Hereditary cancer-predisposing syndrome. Last evaluated: 2025-12-03. Review status: criteria provided, single submitter. Criteria: Ambry Variant Classification Scheme 2023. Collection method: clinical testing. Allele origin: germline.
Comment: The c.2488-5G>A intronic variant results from a G to A substitution 5 nucleotides upstream from coding exon 15 in the ALK gene. This nucleotide position is not well conserved in available vertebrate species. In silico splice site analysis predicts that this alteration will not have any significant effect on splicing. Based on the available evidence, the clinical significance of this variant remains unclear.

Labcorp Genetics (formerly Invitae), Labcorp
Classification: Likely benign for Neuroblastoma, susceptibility to, 3. Last evaluated: 2023-12-27. Review status: criteria provided, single submitter. Criteria: Invitae Variant Classification Sherloc (09022015). Collection method: clinical testing. Allele origin: germline.

NM_004304.5(ALK):c.2488-5G>A

Gene: ALK (ALK receptor tyrosine kinase; minus strand). Cytogenetic location: 2p23.2.
Variant type: single nucleotide variant.
Coding change: c.2488-5G>A on transcript NM_004304.5 (MANE Select); 5 bases into the intron before coding-DNA position 2488, G replaced by A.
Molecular consequence: intron variant.
Genome position (GRCh38, 1-based): chr2:29,232,453, C>T on the plus strand (G>A on the coding strand, the complement: ALK is on the minus strand). VCF-style: chr2-29232453-C-T. GRCh37 (hg19) VCF-style: chr2-29455319-C-T.
Other names: c.2488-5G>A (NM_004304.4).
Identifiers: ClinVar variation 1655848 (VCV001655848.9), dbSNP rs2148183488, ClinGen allele CA2573134546.
Genomic context (GRCh38, chr2:29,232,453, plus strand): 5'-GCCCTGCCACCACCTCCGGCTGCAATGATCAGGGGCACCGGCACTCCATCCTTCATCTGA[C>T]CAGGGGAGACATTCAGACATTGAGAAACCGAGCTGTGCTTCCCCCTGGAGCCCCTAAGCT-3'